The following is an entry in ClinVar:

NM_006502.3(POLH):c.1700T>C (p.Leu567Ser)

Gene: POLH (DNA polymerase eta; plus strand). Cytogenetic location: 6p21.1.
Variant type: single nucleotide variant.
Coding change: c.1700T>C on transcript NM_006502.3 (MANE Select); coding-DNA position 1700, T replaced by C.
Protein change: p.Leu567Ser; replaces leucine 567 with serine.
Molecular consequence: missense variant. On other transcripts: 3 prime UTR variant (1).
Genome position (GRCh38, 1-based): chr6:43,614,115, T>C. VCF-style: chr6-43614115-T-C. GRCh37 (hg19) VCF-style: chr6-43581852-T-C.
Other names: c.1328T>C, p.Leu443Ser (NM_001291969.2); c.*384T>C (NM_001291970.2); short protein forms L443S, L567S.
Identifiers: ClinVar variation 4141295 (VCV004141295.2).

ClinVar aggregate classification (germline): Uncertain significance. Review status: criteria provided, multiple submitters, no conflicts (2 of 4 stars). 2 submissions from 2 submitters: Uncertain significance (2). Last evaluated 2025-09-10.

Conditions:
Inborn genetic diseases. Identifiers: MedGen C0950123, MeSH D030342.

gnomAD v4.1: 10 of 1,614,098 alleles (0.00062%); highest among the groups gnomAD compares: Admixed American, 0.012%; no homozygotes.

Submissions (2):

Ambry Genetics
Classification: Uncertain significance for Inborn genetic diseases. Last evaluated: 2025-09-10. Review status: criteria provided, single submitter. Criteria: Ambry Variant Classification Scheme 2023. Collection method: clinical testing. Allele origin: germline.

Labcorp Genetics (formerly Invitae), Labcorp
Classification: Uncertain significance. Last evaluated: 2025-07-29. Review status: criteria provided, single submitter. Criteria: Invitae Variant Classification Sherloc (09022015). Collection method: clinical testing. Allele origin: germline.
Comment: This sequence change replaces leucine, which is neutral and non-polar, with serine, which is neutral and polar, at codon 567 of the POLH protein (p.Leu567Ser). This variant is present in population databases (rs775894912, gnomAD 0.02%). This variant has not been reported in the literature in individuals affected with POLH-related conditions. An algorithm developed to predict the effect of missense changes on protein structure and function outputs the following: PolyPhen-2: "Benign". The serine amino acid residue is found in multiple mammalian species, which suggests that this missense change does not adversely affect protein function. In summary, the available evidence is currently insufficient to determine the role of this variant in disease. Therefore, it has been classified as a Variant of Uncertain Significance.